The following is an entry in ClinVar:

ClinVar aggregate classification (germline): Uncertain significance (1 of 4 stars; one submission).

gnomAD v4.1: 3 of 1,614,134 alleles (0.00019%); highest among the groups gnomAD compares: Non-Finnish European, 0.00017%; no homozygotes.

Submission:

Labcorp Genetics (formerly Invitae), Labcorp
Classification: Uncertain significance. Last evaluated: 2024-03-15. Review status: criteria provided, single submitter. Criteria: Invitae Variant Classification Sherloc (09022015). Collection method: clinical testing. Allele origin: germline.
Comment: This sequence change replaces glutamic acid, which is acidic and polar, with glycine, which is neutral and non-polar, at codon 61 of the MRPS7 protein (p.Glu61Gly). This variant is not present in population databases (gnomAD no frequency). This variant has not been reported in the literature in individuals affected with MRPS7-related conditions. An algorithm developed to predict the effect of missense changes on protein structure and function (PolyPhen-2) suggests that this variant is likely to be tolerated. In summary, the available evidence is currently insufficient to determine the role of this variant in disease. Therefore, it has been classified as a Variant of Uncertain Significance.

NM_015971.4(MRPS7):c.182A>G (p.Glu61Gly)

Gene: MRPS7 (mitochondrial ribosomal protein S7; plus strand). Cytogenetic location: 17q25.1.
Variant type: single nucleotide variant.
Coding change: c.182A>G on transcript NM_015971.4 (MANE Select); coding-DNA position 182, A replaced by G.
Protein change: p.Glu61Gly; replaces glutamic acid 61 with glycine.
Molecular consequence: missense variant.
Genome position (GRCh38, 1-based): chr17:75,262,595, A>G. VCF-style: chr17-75262595-A-G. GRCh37 (hg19) VCF-style: chr17-73258676-A-G.
Other names: short protein forms E61G.
Identifiers: ClinVar variation 3701104 (VCV003701104.2).
Genomic context (GRCh38, chr17:75,262,595, plus strand): 5'-TCAAGGATCCCTTGATTGACAAGGAATATTATCGCAAGCCAGTGGAGGAGCTAACTGAGG[A>G]GGAGAAATATGTTCGGGAGCTCAAGAAGACTCAGCTCATCAAAGCTGCTCCAGCAGGGAA-3'
Protein context (NP_057055.2, residues 51-71): YRKPVEELTE[Glu61Gly]EKYVRELKKT